The following is an entry in ClinVar:

NM_000051.4(ATM):c.6007-10A>C

Genes: ATM (ATM serine/threonine kinase; plus strand), C11orf65 (chromosome 11 open reading frame 65; minus strand). Cytogenetic location: 11q22.3.
Variant type: single nucleotide variant.
Coding change: c.6007-10A>C on transcript NM_000051.4 (MANE Select); 10 bases into the intron before coding-DNA position 6007, A replaced by C.
Molecular consequence: intron variant.
Genome position (GRCh38, 1-based): chr11:108,315,813, A>C. VCF-style: chr11-108315813-A-C. GRCh37 (hg19) VCF-style: chr11-108186540-A-C.
Other names: c.6007-10A>C (NM_001351834.2); c.641-6742T>G (NM_001330368.2); c.*39-6742T>G (NM_001351110.2).
Identifiers: ClinVar variation 3254185 (VCV003254185.1), dbSNP rs373395916.
Genomic context (GRCh38, chr11:108,315,813, plus strand): 5'-TTTAAAATTTGCTAAATTTATAGACCGATTTTTTTTCCTTCTTCAATTTTTGTTGTTTCC[A>C]TGTTTTCAGGATCTTCTCTTAGAAATCTACAGAAGTATAGGGGAGCCAGATAGTTTGTAT-3'

ClinVar aggregate classification (germline): Likely benign (1 of 4 stars; one submission).

Conditions:
Familial cancer of breast. Also called: hereditary breast carcinoma; BREAST CANCER, FAMILIAL; Hereditary breast cancer. Identifiers: Orphanet 227535, MedGen C0346153, MONDO:0016419, OMIM 114480. Disease mechanism: loss of function.

Submission:

Myriad Genetics, Inc.
Classification: Likely benign for Familial cancer of breast. Last evaluated: 2024-05-30. Review status: criteria provided, single submitter. Criteria: Myriad Autosomal Dominant, Autosomal Recessive and X-Linked Classification Criteria (2023). Collection method: clinical testing. Allele origin: unknown.
Comment: This variant is considered likely benign. This variant is intronic and is not expected to impact mRNA splicing.